The following is an entry in ClinVar:

ClinVar aggregate classification (germline): Benign (0 of 4 stars; one submission).

Conditions:
RANBP17-related disorder. Also called: RANBP17-related condition.

Allele frequency attached by ClinVar (database versions not stated): ExAC 0.00145; gnomAD 0.00487; 1000 Genomes Project 30x 0.00500; 1000 Genomes Project 0.00519; ESP Exome Variant Server 0.00616.
gnomAD v4.1: 1,407 of 1,597,752 alleles (0.088%); highest among the groups gnomAD compares: African/African-American, 1.7%; 11 homozygotes.

Submissions (2):

PreventionGenetics, part of Exact Sciences
Classification: Benign for RANBP17-related condition. Last evaluated: 2019-07-23. Review status: no assertion criteria provided. Collection method: clinical testing. Allele origin: germline.
Comment: This variant is classified as benign based on ACMG/AMP sequence variant interpretation guidelines (Richards et al. 2015 PMID: 25741868, with internal and published modifications).

Dr. Peter K. Rogan Lab, Western University
No classification provided (evidence only). Condition: Acute myeloid leukemia. Review status: no classification provided. Collection method: in vitro. Allele origin: not applicable. Functional consequence: retained intron. Not counted in ClinVar's aggregate classification.

NM_022897.5(RANBP17):c.547A>T (p.Thr183Ser)

Gene: RANBP17 (RAN binding protein 17; plus strand). Cytogenetic location: 5q35.1.
Variant type: single nucleotide variant.
Coding change: c.547A>T on transcript NM_022897.5 (MANE Select); coding-DNA position 547, A replaced by T.
Protein change: p.Thr183Ser; replaces threonine 183 with serine.
Molecular consequence: missense variant.
Genome position (GRCh38, 1-based): chr5:170,909,718, A>T. VCF-style: chr5-170909718-A-T. GRCh37 (hg19) VCF-style: chr5-170336722-A-T.
Other names: NC_000005.9:g.170336722A>T; short protein forms T183S.
Identifiers: ClinVar variation 3049366 (VCV003049366.3), dbSNP rs148659070, ClinGen allele CA3557149.